The following is an entry in ClinVar:

NM_015443.4(KANSL1):c.-90+392G>A

Gene: KANSL1 (KAT8 regulatory NSL complex subunit 1). Cytogenetic location: 17q21.31.
Variant type: single nucleotide variant.
Coding change: c.-90+392G>A on transcript NM_015443.4 (MANE Select); 392 bases into the intron after 90 bases upstream of the start codon, G replaced by A.
Molecular consequence: intron variant. On other transcripts: 5 prime UTR variant (1).
Genome position (GRCh38, 1-based): chr17:46,192,431, C>T on the plus strand (G>A on the coding strand, the complement: KANSL1 is on the minus strand). VCF-style: chr17-46192431-C-T. GRCh37 (hg19) VCF-style: chr17-44269797-C-T.
Other names: c.-102G>A (NM_001193466.2); c.-89-20199G>A (NM_001193465.2, NM_001379198.1).
Identifiers: ClinVar variation 388933 (VCV000388933.1), dbSNP rs1057523278, ClinGen allele CA16607329.

ClinVar aggregate classification (germline): Likely benign (1 of 4 stars; one submission).

Submission:

GeneDx
Classification: Likely benign. Last evaluated: 2016-09-06. Review status: criteria provided, single submitter. Criteria: GeneDx Variant Classification (06012015). Collection method: clinical testing. Allele origin: germline. Affected: yes.
Comment: This variant is considered likely benign or benign based on one or more of the following criteria: it is a conservative change, it occurs at a poorly conserved position in the protein, it is predicted to be benign by multiple in silico algorithms, and/or has population frequency not consistent with disease.